The following is an entry in ClinVar:

NM_006080.3(SEMA3A):c.1140+3A>G

Gene: SEMA3A (semaphorin 3A; minus strand). Cytogenetic location: 7q21.11.
Variant type: single nucleotide variant.
Coding change: c.1140+3A>G on transcript NM_006080.3 (MANE Select); 3 bases into the intron after coding-DNA position 1140, A replaced by G.
Molecular consequence: intron variant.
Genome position (GRCh38, 1-based): chr7:84,007,350, T>C on the plus strand (A>G on the coding strand, the complement: SEMA3A is on the minus strand). VCF-style: chr7-84007350-T-C. GRCh37 (hg19) VCF-style: chr7-83636666-T-C.
Identifiers: ClinVar variation 3354020 (VCV003354020.1).

ClinVar aggregate classification (germline): Likely benign (0 of 4 stars; one submission).

Conditions:
SEMA3A-related disorder. Also called: SEMA3A-related condition.

gnomAD v4.1: 7 of 1,594,218 alleles (0.00044%); highest among the groups gnomAD compares: South Asian, 0.0069%; no homozygotes.

Submission:

PreventionGenetics, part of Exact Sciences
Classification: Likely benign for SEMA3A-related condition. Last evaluated: 2022-08-31. Review status: no assertion criteria provided. Collection method: clinical testing. Allele origin: germline.
Comment: This variant is classified as likely benign based on ACMG/AMP sequence variant interpretation guidelines (Richards et al. 2015 PMID: 25741868, with internal and published modifications).